The following is an entry in ClinVar:

NM_153460.4(IL17RC):c.274G>A (p.Val92Met)

Gene: IL17RC (interleukin 17 receptor C; plus strand). Cytogenetic location: 3p25.3.
Variant type: single nucleotide variant.
Coding change: c.274G>A on transcript NM_153460.4 (MANE Select); coding-DNA position 274, G replaced by A.
Protein change: p.Val92Met; replaces valine 92 with methionine.
Molecular consequence: missense variant. On other transcripts: non-coding transcript variant (1).
Genome position (GRCh38, 1-based): chr3:9,918,069, G>A. VCF-style: chr3-9918069-G-A. GRCh37 (hg19) VCF-style: chr3-9959753-G-A.
Other names: c.274G>A, p.Val92Met (NM_001203263.2, NM_001203264.2, NM_001203265.2 and 4 more transcripts); c.487G>A, p.Val163Met (NM_153461.4); short protein forms V163M, V92M.
Identifiers: ClinVar variation 542544 (VCV000542544.17), dbSNP rs143412184, ClinGen allele CA2246782.

ClinVar aggregate classification (germline): Conflicting classifications of pathogenicity. Review status: criteria provided, conflicting classifications (1 of 4 stars). 6 submissions from 6 submitters: Uncertain significance (2); Likely benign (3). 1 of the submissions does not count toward it. Last evaluated 2026-02-04.

Conditions:
Candidiasis, familial, 9 (CANDF9). Identifiers: Orphanet 1334, MedGen C4225324, MONDO:0014642, OMIM 616445.
IL17RC-related disorder. Also called: IL17RC-related condition.

Allele frequency attached by ClinVar (database versions not stated): 1000 Genomes Project 0.00060; 1000 Genomes Project 30x 0.00062; TOPMed 0.00192; ESP Exome Variant Server 0.00208.
gnomAD v4.1: 4,235 of 1,576,478 alleles (0.27%); highest among the groups gnomAD compares: Non-Finnish European, 0.33%; 10 homozygotes.

Submissions (6):

Labcorp Genetics (formerly Invitae), Labcorp
Classification: Likely benign for Candidiasis, familial, 9. Last evaluated: 2026-02-04. Review status: criteria provided, single submitter. Criteria: Invitae Variant Classification Sherloc (09022015). Collection method: clinical testing. Allele origin: germline.

Ambry Genetics
Classification: Uncertain significance. Last evaluated: 2025-08-27. Review status: criteria provided, single submitter. Criteria: Ambry Variant Classification Scheme 2023. Collection method: clinical testing. Allele origin: germline.

Blueprint Genetics
Classification: Likely benign. Last evaluated: 2024-11-20. Review status: criteria provided, single submitter. Criteria: ACMG Guidelines, 2015. Collection method: clinical testing. Allele origin: germline.

GeneDx
Classification: Uncertain significance. Last evaluated: 2022-05-06. Review status: criteria provided, single submitter. Criteria: GeneDx Variant Classification Process June 2021. Collection method: clinical testing. Allele origin: germline. Affected: yes.
Comment: In silico analysis supports that this missense variant does not alter protein structure/function; Has not been previously published as pathogenic or benign to our knowledge

Breakthrough Genomics
Classification: Likely benign. Review status: criteria provided, single submitter. Criteria: ACMG Guidelines, 2015. Collection method: not provided. Allele origin: germline. Inheritance: Autosomal recessive inheritance. Affected: yes.

PreventionGenetics, part of Exact Sciences
Classification: Likely benign for IL17RC-related condition. Last evaluated: 2022-01-31. Review status: no assertion criteria provided. Collection method: clinical testing. Allele origin: germline. Not counted in ClinVar's aggregate classification.
Comment: This variant is classified as likely benign based on ACMG/AMP sequence variant interpretation guidelines (Richards et al. 2015 PMID: 25741868, with internal and published modifications).